The following is an entry in ClinVar:

ClinVar aggregate classification (germline): Uncertain significance (1 of 4 stars; one submission).

Submission:

GeneDx
Classification: Uncertain significance. Last evaluated: 2026-08-09. Review status: criteria provided, single submitter. Criteria: GeneDx Variant Classification Process June 2021. Collection method: clinical testing. Allele origin: germline.
Comment: Not observed at significant frequency in large population cohorts (gnomAD); In silico analysis suggests that this missense variant does not alter protein structure/function; Has not been previously published as pathogenic or benign to our knowledge

NM_001372044.2(SHANK3):c.3991G>T (p.Ala1331Ser)

Gene: SHANK3 (SH3 and multiple ankyrin repeat domains 3; plus strand). Cytogenetic location: 22q13.33.
Variant type: single nucleotide variant.
Coding change: c.3991G>T on transcript NM_001372044.2 (MANE Select); coding-DNA position 3991, G replaced by T.
Protein change: p.Ala1331Ser; replaces alanine 1331 with serine.
Molecular consequence: missense variant.
Genome position (GRCh38, 1-based): chr22:50,721,599, G>T. VCF-style: chr22-50721599-G-T. GRCh37 (hg19) VCF-style: chr22-51160027-G-T.
Other names: c.3766G>T, p.Ala1256Ser (NM_033517.1); short protein forms A1256S, A1331S.
Identifiers: ClinVar variation 2579981 (VCV002579981.2), dbSNP rs1249237809, ClinGen allele CA515262973.